The following is an entry in ClinVar:

NM_004793.4(LONP1):c.33G>T (p.Trp11Cys)

Gene: LONP1 (lon peptidase 1, mitochondrial; minus strand). Cytogenetic location: 19p13.3.
Variant type: single nucleotide variant.
Coding change: c.33G>T on transcript NM_004793.4 (MANE Select); coding-DNA position 33, G replaced by T.
Protein change: p.Trp11Cys; replaces tryptophan 11 with cysteine.
Molecular consequence: missense variant. On other transcripts: non-coding transcript variant (1), intron variant (1).
Genome position (GRCh38, 1-based): chr19:5,720,100, C>A on the plus strand (G>T on the coding strand, the complement: LONP1 is on the minus strand). VCF-style: chr19-5720100-C-A. GRCh37 (hg19) VCF-style: chr19-5720111-C-A.
Other names: c.33G>T, p.Trp11Cys (NM_001276479.2); c.-160+119G>T (NM_001276480.1); short protein forms W11C.
Identifiers: ClinVar variation 3898924 (VCV003898924.1).

ClinVar aggregate classification (germline): Uncertain significance (1 of 4 stars; one submission).

Submission:

GeneDx
Classification: Uncertain significance. Last evaluated: 2024-11-07. Review status: criteria provided, single submitter. Criteria: GeneDx Variant Classification Process June 2021. Collection method: clinical testing. Allele origin: germline. Affected: yes.
Comment: Not observed at significant frequency in large population cohorts (gnomAD); In silico analysis indicates that this missense variant does not alter protein structure/function; Has not been previously published as pathogenic or benign to our knowledge